The following is an entry in ClinVar:

NM_000051.4(ATM):c.6681C>T (p.Arg2227=)

Genes: ATM (ATM serine/threonine kinase; plus strand), C11orf65 (chromosome 11 open reading frame 65; minus strand). Cytogenetic location: 11q22.3.
Variant type: single nucleotide variant.
Coding change: c.6681C>T on transcript NM_000051.4 (MANE Select); coding-DNA position 6681, C replaced by T.
Protein change: p.Arg2227=; no amino-acid change (arginine 2227 retained).
Molecular consequence: synonymous variant. On other transcripts: intron variant (2).
Genome position (GRCh38, 1-based): chr11:108,325,418, C>T. VCF-style: chr11-108325418-C-T. GRCh37 (hg19) VCF-style: chr11-108196145-C-T.
Other names: c.6681C>T, p.Arg2227= (NM_001351834.2); c.641-16347G>A (NM_001330368.2); c.*38+9802G>A (NM_001351110.2).
Identifiers: ClinVar variation 231520 (VCV000231520.47), dbSNP rs775850434, ClinGen allele CA6265996.
Genomic context (GRCh38, chr11:108,325,418, plus strand): 5'-ACACTCCCAGCTTCTCAAGGACAGTGATTTTAGTTTTCAGGAGCCTATCATGGCTCTACG[C>T]ACAGTCATTTTGGAGATCCTGATGGAAAAGGAAATGGACAACTCACAAAGAGAATGTATT-3'
Protein context (NP_000042.3, residues 2217-2237): FSFQEPIMAL[Arg2227=]TVILEILMEK

ClinVar aggregate classification (germline): Benign/Likely benign. Review status: criteria provided, multiple submitters, no conflicts (2 of 4 stars). 11 submissions from 11 submitters: Benign (3); Likely benign (8). Last evaluated 2026-02-03.

Conditions:
Hereditary cancer-predisposing syndrome. Also called: Neoplastic Syndromes, Hereditary; Hereditary neoplastic syndrome; Tumor predisposition; Hereditary Cancer Syndrome. Identifiers: Orphanet 140162, MedGen C0027672, MeSH D009386, MONDO:0015356.
Ataxia-telangiectasia syndrome (AT). Also called: Ataxia telangiectasia (A-T); Cerebello-oculocutaneous telangiectasia; Immunodeficiency with ataxia telangiectasia; LOUIS-BAR SYNDROME; AT, COMPLEMENTATION GROUP C; ATAXIA-TELANGIECTASIA, FRESNO VARIANT. Identifiers: Orphanet 100, MedGen C0004135, MONDO:0008840, OMIM 208900.
Familial cancer of breast. Also called: hereditary breast carcinoma; Hereditary breast cancer; BREAST CANCER, FAMILIAL. Identifiers: Orphanet 227535, MedGen C0346153, MONDO:0016419, OMIM 114480. Disease mechanism: loss of function.

Allele frequency attached by ClinVar (database versions not stated): gnomAD 0.00001; TOPMed 0.00001; gnomAD exomes 0.00003; ExAC 0.00004.
gnomAD v4.1: 28 of 1,613,632 alleles (0.0017%); highest among the groups gnomAD compares: South Asian, 0.016%; no homozygotes.

Submissions (11):

Labcorp Genetics (formerly Invitae), Labcorp
Classification: Likely benign for Ataxia-telangiectasia syndrome. Last evaluated: 2026-02-03. Review status: criteria provided, single submitter. Criteria: Invitae Variant Classification Sherloc (09022015). Collection method: clinical testing. Allele origin: germline.

Center for Genomic Medicine, Rigshospitalet, Copenhagen University Hospital
Classification: Likely benign. Last evaluated: 2025-03-04. Review status: criteria provided, single submitter. Criteria: ACMG Guidelines, 2015. Collection method: clinical testing. Allele origin: germline.

Myriad Genetics, Inc.
Classification: Benign for Familial cancer of breast. Last evaluated: 2024-06-10. Review status: criteria provided, single submitter. Criteria: Myriad Autosomal Dominant, Autosomal Recessive and X-Linked Classification Criteria (2023). Collection method: clinical testing. Allele origin: unknown.
Comment: This variant is considered benign. This variant is a silent/synonymous amino acid change and it is not expected to impact splicing.

Blueprint Genetics
Classification: Likely benign. Last evaluated: 2024-01-04. Review status: criteria provided, single submitter. Criteria: ACMG Guidelines, 2015. Collection method: clinical testing. Allele origin: germline.

CeGaT Center for Human Genetics Tuebingen
Classification: Likely benign. Last evaluated: 2023-09-01. Review status: criteria provided, single submitter. Criteria: CeGaT Center For Human Genetics Tuebingen Variant Classification Criteria Version 2. Collection method: clinical testing. Allele origin: germline. Affected: yes. Observed: 1 variant allele.
Comment: ATM: BP4, BP7

Sema4
Classification: Likely benign for Hereditary cancer-predisposing syndrome. Last evaluated: 2022-02-27. Review status: criteria provided, single submitter. Criteria: Sema4 Curation Guidelines. Collection method: curation. Allele origin: germline.

Mendelics
Classification: Benign for Ataxia-telangiectasia syndrome. Last evaluated: 2019-05-28. Review status: criteria provided, single submitter. Criteria: Mendelics Assertion Criteria 2017. Collection method: clinical testing. Allele origin: unknown.

Athena Diagnostics
Classification: Likely benign. Last evaluated: 2019-05-09. Review status: criteria provided, single submitter. Criteria: Athena Diagnostics Criteria. Collection method: clinical testing. Allele origin: germline.

Color Diagnostics, LLC DBA Color Health
Classification: Likely benign for Hereditary cancer-predisposing syndrome. Last evaluated: 2016-05-31. Review status: criteria provided, single submitter. Criteria: ACMG Guidelines, 2015. Collection method: clinical testing. Allele origin: germline.

Ambry Genetics
Classification: Likely benign for Hereditary cancer-predisposing syndrome. Last evaluated: 2015-05-01. Review status: criteria provided, single submitter. Criteria: Ambry Variant Classification Scheme 2023. Collection method: clinical testing. Allele origin: germline.

GeneDx
Classification: Benign. Last evaluated: 2015-03-03. Review status: criteria provided, single submitter. Criteria: GeneDx Variant Classification Process June 2021. Collection method: clinical testing. Allele origin: germline. Affected: yes.